The following is an entry in ClinVar:

NM_032607.3(CREB3L3):c.984_985delinsTT (p.Leu328Phe)

Gene: CREB3L3 (cAMP responsive element binding protein 3 like 3; plus strand). Cytogenetic location: 19p13.3.
Variant type: Indel.
Coding change: c.984_985delinsTT on transcript NM_032607.3 (MANE Select); coding-DNA positions 984 to 985, GC replaced by TT.
Protein change: p.Leu328Phe; replaces leucine 328 with phenylalanine.
Molecular consequence: missense variant.
Genome position (GRCh38, 1-based): chr19:4,171,391-4,171,392, GC replaced by TT. VCF-style: chr19-4171391-GC-TT. GRCh37 (hg19) VCF-style: chr19-4171388-GC-TT.
Other names: c.981_982delinsTT, p.Leu327Phe (NM_001271995.2); c.978_979delinsTT, p.Leu326Phe (NM_001271996.2); c.877_878delinsTT, p.Ala293Phe (NM_001271997.2); short protein forms L326F, A293F, L328F, L327F.
Identifiers: ClinVar variation 2878470 (VCV002878470.3), dbSNP rs2512360742, ClinGen allele CA2739276368.
Genomic context (GRCh38, chr19:4,171,391, plus strand): 5'-ATGCTTGCAGGGGAGGGGAGGGAGGGGGTGACTCTGCCGCTGTCTCCACCAGGTCCTGTT[GC>TT]TGTCCTTTGCCCTCATCATCCTCCCCTCCATCAGCCCTTTTGGCCCCAACAAAACCGAGA-3'
Protein context (NP_115996.1, residues 318-338): AQTGTCVAVL[Leu328Phe]LSFALIILPS

ClinVar aggregate classification (germline): Uncertain significance (1 of 4 stars; one submission).

Submission:

Labcorp Genetics (formerly Invitae), Labcorp
Classification: Uncertain significance. Last evaluated: 2023-12-21. Review status: criteria provided, single submitter. Criteria: Invitae Variant Classification Sherloc (09022015). Collection method: clinical testing. Allele origin: germline.
Comment: This sequence change replaces leucine, which is neutral and non-polar, with phenylalanine, which is neutral and non-polar, at codon 328 of the CREB3L3 protein (p.Leu328Phe). Information on the frequency of this variant in the gnomAD database is not available, as this variant may be reported differently in the database. This variant has not been reported in the literature in individuals affected with CREB3L3-related conditions. Experimental studies and prediction algorithms are not available or were not evaluated, and the functional significance of this variant is currently unknown. In summary, the available evidence is currently insufficient to determine the role of this variant in disease. Therefore, it has been classified as a Variant of Uncertain Significance.